The following is an entry in ClinVar:

ClinVar aggregate classification (germline): Uncertain significance. Review status: criteria provided, multiple submitters, no conflicts (2 of 4 stars). 2 submissions from 2 submitters: Uncertain significance (2). Last evaluated 2026-01-04.

Allele frequency attached by ClinVar (database versions not stated): gnomAD 0.00003; TOPMed 0.00003.
gnomAD v4.1: 122 of 1,550,298 alleles (0.0079%); highest among the groups gnomAD compares: Non-Finnish European, 0.01%; no homozygotes.

Submissions (2):

Labcorp Genetics (formerly Invitae), Labcorp
Classification: Uncertain significance. Last evaluated: 2026-01-04. Review status: criteria provided, single submitter. Criteria: Invitae Variant Classification Sherloc (09022015). Collection method: clinical testing. Allele origin: germline.
Comment: This sequence change replaces arginine, which is basic and polar, with glutamine, which is neutral and polar, at codon 133 of the TERF2IP protein (p.Arg133Gln). This variant is present in population databases (no rsID available, gnomAD 0.02%). This missense change has been observed in individual(s) with chronic lymphocytic leukemia or melanoma (PMID: 27528712, 30414346). ClinVar contains an entry for this variant (Variation ID: 1802902). An algorithm developed to predict the effect of missense changes on protein structure and function (PolyPhen-2) suggests that this variant is likely to be disruptive. In summary, the available evidence is currently insufficient to determine the role of this variant in disease. Therefore, it has been classified as a Variant of Uncertain Significance.

Center for Genomic Medicine, Rigshospitalet, Copenhagen University Hospital
Classification: Uncertain significance. Last evaluated: 2025-03-04. Review status: criteria provided, single submitter. Criteria: ACMG Guidelines, 2015. Collection method: clinical testing. Allele origin: germline.

Literature cited by the submitters: PubMed 27528712 (cited by Labcorp Genetics (formerly Invitae), Labcorp and Center for Genomic Medicine, Rigshospitalet, Copenhagen University Hospital); PubMed 30414346 (cited by Labcorp Genetics (formerly Invitae), Labcorp and Center for Genomic Medicine, Rigshospitalet, Copenhagen University Hospital).

NM_018975.4(TERF2IP):c.398G>A (p.Arg133Gln)

Gene: TERF2IP (TERF2 interacting protein; plus strand). Cytogenetic location: 16q23.1.
Variant type: single nucleotide variant.
Coding change: c.398G>A on transcript NM_018975.4 (MANE Select); coding-DNA position 398, G replaced by A.
Protein change: p.Arg133Gln; replaces arginine 133 with glutamine.
Molecular consequence: missense variant. On other transcripts: non-coding transcript variant (1).
Genome position (GRCh38, 1-based): chr16:75,648,280, G>A. VCF-style: chr16-75648280-G-A. GRCh37 (hg19) VCF-style: chr16-75682178-G-A.
Other names: short protein forms R133Q.
Identifiers: ClinVar variation 1802902 (VCV001802902.10), dbSNP rs1349826807, ClinGen allele CA396817817.